The following is an entry in ClinVar:

NM_000443.4(ABCB4):c.1307G>A (p.Ser436Asn)

Gene: ABCB4 (ATP binding cassette subfamily B member 4; minus strand). Cytogenetic location: 7q21.12.
Variant type: single nucleotide variant.
Coding change: c.1307G>A on transcript NM_000443.4 (MANE Select); coding-DNA position 1307, G replaced by A.
Protein change: p.Ser436Asn; replaces serine 436 with asparagine.
Molecular consequence: missense variant.
Genome position (GRCh38, 1-based): chr7:87,443,368, C>T on the plus strand (G>A on the coding strand, the complement: ABCB4 is on the minus strand). VCF-style: chr7-87443368-C-T. GRCh37 (hg19) VCF-style: chr7-87072684-C-T.
Other names: c.1307G>A, p.Ser436Asn (NM_018849.3, NM_018850.3); short protein forms S436N.
Identifiers: ClinVar variation 4846623 (VCV004846623.1).
Genomic context (GRCh38, chr7:87,443,368, plus strand): 5'-TTCCCACTTACTGTGCCCTCATCAGGGTCATAGAGCCTCTGTATCAGCTGGACCGTTGTG[C>T]TCTTCCCACAGCCACTACTTCCAACCAGGGCCACCGTCTGCCCACTCTGCACCTTCAGGT-3'
Protein context (NP_000434.1, residues 426-446): ALVGSSGCGK[Ser436Asn]TTVQLIQRLY

ClinVar aggregate classification (germline): Uncertain significance (1 of 4 stars; one submission).

Conditions:
Familial intrahepatic cholestasis. Identifiers: Orphanet 284385, MedGen CN296401, MONDO:0017290.

gnomAD v4.1: 1 of 1,614,126 alleles (0.000062%); highest among the groups gnomAD compares: Non-Finnish European, 0.000085%; no homozygotes.

Submission:

Genomenon, Inc
Classification: Uncertain significance for Familial intrahepatic cholestasis. Last evaluated: 2026-04-14. Review status: criteria provided, single submitter. Criteria: Genomenon Sequence Variant Interpretation Standards - Updated. Collection method: curation. Allele origin: germline. Affected: yes.
Comment: ABCB4 p.Ser436Asn (c.1307G>A) is a missense variant that changes the amino acid at residue 436 from Serine to Asparagine. This variant has been observed in at least one proband with an ABCB4-related disorder (PMID:38284625). It is absent or not present at a significant frequency in gnomAD. In silico models predict that this variant is possibly or probably damaging. In conclusion, we classify ABCB4 p.Ser436Asn (c.1307G>A) as a variant of uncertain significance.

Literature cited by the submitters: PubMed 38284625.